The following is an entry in ClinVar:

NM_002185.5(IL7R):c.1097C>A (p.Ser366Tyr)

Gene: IL7R (interleukin 7 receptor; plus strand). Cytogenetic location: 5p13.2.
Variant type: single nucleotide variant.
Coding change: c.1097C>A on transcript NM_002185.5 (MANE Select); coding-DNA position 1097, C replaced by A.
Protein change: p.Ser366Tyr; replaces serine 366 with tyrosine.
Molecular consequence: missense variant. On other transcripts: non-coding transcript variant (1).
Genome position (GRCh38, 1-based): chr5:35,876,203, C>A. VCF-style: chr5-35876203-C-A. GRCh37 (hg19) VCF-style: chr5-35876305-C-A.
Other names: c.*214C>A (NM_001410734.1); short protein forms S366Y.
Identifiers: ClinVar variation 2013831 (VCV002013831.4), dbSNP rs778728560, ClinGen allele CA359432843.
Genomic context (GRCh38, chr5:35,876,203, plus strand): 5'-GCCCCAACTGCCCATCTGAGGATGTAGTCATCACTCCAGAAAGCTTTGGAAGAGATTCAT[C>A]CCTCACATGCCTGGCTGGGAATGTCAGTGCATGTGACGCCCCTATTCTCTCCTCTTCCAG-3'
Protein context (NP_002176.2, residues 356-376): ITPESFGRDS[Ser366Tyr]LTCLAGNVSA

ClinVar aggregate classification (germline): Uncertain significance (1 of 4 stars; one submission).

Conditions:
Immunodeficiency 104. Also called: Severe combined immunodeficiency, autosomal recessive, T cell-negative, B cell-positive, NK cell-positive; IMMUNODEFICIENCY 104, SEVERE COMBINED; Severe Combined Immune Deficiency, Autosomal Recessive, TCell -Negative, B Cell-Positive, NK Cell-Positive, IL7R-Related; SCID, AUTOSOMAL RECESSIVE, T CELL-NEGATIVE, B CELL-POSITIVE, NK CELL-POSITIVE. Identifiers: MedGen C5676890, MONDO:0012163, OMIM 608971.

Submission:

Labcorp Genetics (formerly Invitae), Labcorp
Classification: Uncertain significance for Immunodeficiency 104. Last evaluated: 2022-07-03. Review status: criteria provided, single submitter. Criteria: Invitae Variant Classification Sherloc (09022015). Collection method: clinical testing. Allele origin: germline.
Comment: This variant is not present in population databases (gnomAD no frequency). In summary, the available evidence is currently insufficient to determine the role of this variant in disease. Therefore, it has been classified as a Variant of Uncertain Significance. Advanced modeling of protein sequence and biophysical properties (such as structural, functional, and spatial information, amino acid conservation, physicochemical variation, residue mobility, and thermodynamic stability) performed at Invitae indicates that this missense variant is not expected to disrupt IL7R protein function. This variant has not been reported in the literature in individuals affected with IL7R-related conditions. This sequence change replaces serine, which is neutral and polar, with tyrosine, which is neutral and polar, at codon 366 of the IL7R protein (p.Ser366Tyr).